The following is an entry in ClinVar:

NM_052989.3(IFT122):c.832G>A (p.Ala278Thr)

Gene: IFT122 (intraflagellar transport 122; plus strand). Cytogenetic location: 3q21.3.
Variant type: single nucleotide variant.
Coding change: c.832G>A on transcript NM_052989.3 (MANE Select); coding-DNA position 832, G replaced by A.
Protein change: p.Ala278Thr; replaces alanine 278 with threonine.
Molecular consequence: missense variant.
Genome position (GRCh38, 1-based): chr3:129,476,330, G>A. VCF-style: chr3-129476330-G-A. GRCh37 (hg19) VCF-style: chr3-129195173-G-A.
Other names: c.808G>A, p.Ala270Thr (NM_001280541.2); c.382G>A, p.Ala128Thr (NM_001280545.2); c.205G>A, p.Ala69Thr (NM_001280546.2); c.655G>A, p.Ala219Thr (NM_018262.4); c.985G>A, p.Ala329Thr (NM_052985.4); c.499G>A, p.Ala167Thr (NM_052990.3); short protein forms A329T, A278T, A128T, A219T, A167T, A270T, A69T.
Identifiers: ClinVar variation 1414948 (VCV001414948.8), dbSNP rs773531126, ClinGen allele CA2606012.

ClinVar aggregate classification (germline): Uncertain significance (1 of 4 stars; one submission).

Conditions:
Cranioectodermal dysplasia 1 (CED1). Also called: LEVIN SYNDROME I. Identifiers: Orphanet 1515, MedGen C0432235, MONDO:0021093, OMIM 218330.

Allele frequency attached by ClinVar (database versions not stated): gnomAD exomes below 0.00001; TOPMed below 0.00001; ExAC 0.00001; gnomAD 0.00001.
gnomAD v4.1: 3 of 1,614,078 alleles (0.00019%); highest among the groups gnomAD compares: African/African-American, 0.004%; no homozygotes.

Submission:

Labcorp Genetics (formerly Invitae), Labcorp
Classification: Uncertain significance for Cranioectodermal dysplasia 1. Last evaluated: 2021-07-03. Review status: criteria provided, single submitter. Criteria: Invitae Variant Classification Sherloc (09022015). Collection method: clinical testing. Allele origin: germline.
Comment: This sequence change replaces alanine with threonine at codon 329 of the IFT122 protein (p.Ala329Thr). The alanine residue is weakly conserved and there is a small physicochemical difference between alanine and threonine. This variant is present in population databases (rs773531126, ExAC 0.01%). This variant has not been reported in the literature in individuals affected with IFT122-related conditions. Algorithms developed to predict the effect of missense changes on protein structure and function (SIFT, PolyPhen-2, Align-GVGD) all suggest that this variant is likely to be tolerated. In summary, the available evidence is currently insufficient to determine the role of this variant in disease. Therefore, it has been classified as a Variant of Uncertain Significance.